The following is an entry in ClinVar:

ClinVar aggregate classification (germline): Uncertain significance (1 of 4 stars; one submission).

Conditions:
Cardiovascular phenotype. Identifiers: MedGen CN230736.

Allele frequency attached by ClinVar (database versions not stated): gnomAD 0.00001; TOPMed 0.00001.

Submission:

Ambry Genetics
Classification: Uncertain significance for Cardiovascular phenotype. Last evaluated: 2022-03-24. Review status: criteria provided, single submitter. Criteria: Ambry Variant Classification Scheme 2023. Collection method: clinical testing. Allele origin: germline.
Comment: The p.L43Q variant (also known as c.128T>A), located in coding exon 2 of the LPL gene, results from a T to A substitution at nucleotide position 128. The leucine at codon 43 is replaced by glutamine, an amino acid with dissimilar properties. This amino acid position is conserved. In addition, this alteration is predicted to be deleterious by in silico analysis. Since supporting evidence is limited at this time, the clinical significance of this alteration remains unclear.

NM_000237.3(LPL):c.128T>A (p.Leu43Gln)

Gene: LPL (lipoprotein lipase; plus strand). Cytogenetic location: 8p21.3.
Variant type: single nucleotide variant.
Coding change: c.128T>A on transcript NM_000237.3 (MANE Select); coding-DNA position 128, T replaced by A.
Protein change: p.Leu43Gln; replaces leucine 43 with glutamine.
Molecular consequence: missense variant.
Genome position (GRCh38, 1-based): chr8:19,948,219, T>A. VCF-style: chr8-19948219-T-A. GRCh37 (hg19) VCF-style: chr8-19805730-T-A.
Other names: short protein forms L43Q.
Identifiers: ClinVar variation 1769070 (VCV001769070.2), dbSNP rs1423027681, ClinGen allele CA370466839.